The following is an entry in ClinVar:

ClinVar aggregate classification (germline): Uncertain significance (1 of 4 stars; one submission).

Conditions:
Spastic paraplegia. Identifiers: MedGen C0037772, HP:0001258.

Allele frequency attached by ClinVar (database versions not stated): gnomAD 0.00001; gnomAD exomes 0.00001.

Submission:

Labcorp Genetics (formerly Invitae), Labcorp
Classification: Uncertain significance for Spastic paraplegia. Last evaluated: 2019-12-03. Review status: criteria provided, single submitter. Criteria: Invitae Variant Classification Sherloc (09022015). Collection method: clinical testing. Allele origin: germline.
Comment: This sequence change replaces arginine with tryptophan at codon 291 of the B4GALNT1 protein (p.Arg291Trp). The arginine residue is highly conserved and there is a moderate physicochemical difference between arginine and tryptophan. This variant is not present in population databases (ExAC no frequency). This variant has not been reported in the literature in individuals with B4GALNT1-related conditions. Algorithms developed to predict the effect of missense changes on protein structure and function (SIFT, PolyPhen-2, Align-GVGD) all suggest that this variant is likely to be disruptive, but these predictions have not been confirmed by published functional studies and their clinical significance is uncertain. In summary, the available evidence is currently insufficient to determine the role of this variant in disease. Therefore, it has been classified as a Variant of Uncertain Significance.

NM_001478.5(B4GALNT1):c.871C>T (p.Arg291Trp)

Gene: B4GALNT1 (beta-1,4-N-acetyl-galactosaminyltransferase 1; minus strand). Cytogenetic location: 12q13.3.
Variant type: single nucleotide variant.
Coding change: c.871C>T on transcript NM_001478.5 (MANE Select); coding-DNA position 871, C replaced by T.
Protein change: p.Arg291Trp; replaces arginine 291 with tryptophan.
Molecular consequence: missense variant.
Genome position (GRCh38, 1-based): chr12:57,628,844, G>A on the plus strand (C>T on the coding strand, the complement: B4GALNT1 is on the minus strand). VCF-style: chr12-57628844-G-A. GRCh37 (hg19) VCF-style: chr12-58022627-G-A.
Other names: c.706C>T, p.Arg236Trp (NM_001276468.2); short protein forms R236W, R291W.
Identifiers: ClinVar variation 839229 (VCV000839229.1), dbSNP rs1885017573, ClinGen allele CA385497101.